The following is an entry in ClinVar:

ClinVar aggregate classification (germline): Uncertain significance (1 of 4 stars; one submission).

gnomAD v4.1: 10 of 1,211,161 alleles (0.00083%); highest among the groups gnomAD compares: Non-Finnish European, 0.0011%; no homozygotes.

Submission:

Labcorp Genetics (formerly Invitae), Labcorp
Classification: Uncertain significance. Last evaluated: 2024-07-11. Review status: criteria provided, single submitter. Criteria: Invitae Variant Classification Sherloc (09022015). Collection method: clinical testing. Allele origin: germline.
Comment: This sequence change replaces glycine, which is neutral and non-polar, with glutamic acid, which is acidic and polar, at codon 1349 of the NEXMIF protein (p.Gly1349Glu). The frequency data for this variant in the population databases is considered unreliable, as metrics indicate poor data quality at this position in the gnomAD database. This variant has not been reported in the literature in individuals affected with NEXMIF-related conditions. An algorithm developed to predict the effect of missense changes on protein structure and function outputs the following: PolyPhen-2: "Benign". The glutamic acid amino acid residue is found in multiple mammalian species, which suggests that this missense change does not adversely affect protein function. In summary, the available evidence is currently insufficient to determine the role of this variant in disease. Therefore, it has been classified as a Variant of Uncertain Significance.

NM_001008537.3(NEXMIF):c.4046G>A (p.Gly1349Glu)

Gene: NEXMIF (neurite extension and migration factor; minus strand). Cytogenetic location: Xq13.3.
Variant type: single nucleotide variant.
Coding change: c.4046G>A on transcript NM_001008537.3 (MANE Select); coding-DNA position 4046, G replaced by A.
Protein change: p.Gly1349Glu; replaces glycine 1349 with glutamic acid.
Molecular consequence: missense variant.
Genome position (GRCh38, 1-based): chrX:74,740,511, C>T on the plus strand (G>A on the coding strand, the complement: NEXMIF is on the minus strand). VCF-style: chrX-74740511-C-T. GRCh37 (hg19) VCF-style: chrX-73960346-C-T.
Other names: short protein forms G1349E.
Identifiers: ClinVar variation 3659251 (VCV003659251.2).